The following is an entry in ClinVar:

ClinVar aggregate classification (germline): Pathogenic (1 of 4 stars; one submission).

Allele frequency attached by ClinVar (database versions not stated): gnomAD exomes 0.00002.

Submission:

Labcorp Genetics (formerly Invitae), Labcorp
Classification: Pathogenic. Last evaluated: 2023-02-18. Review status: criteria provided, single submitter. Criteria: Invitae Variant Classification Sherloc (09022015). Collection method: clinical testing. Allele origin: germline.
Comment: This variant has not been reported in the literature in individuals affected with HPS5-related conditions. This variant is present in population databases (no rsID available, gnomAD 0.0009%). This sequence change creates a premature translational stop signal (p.Arg693Glyfs*6) in the HPS5 gene. It is expected to result in an absent or disrupted protein product. Loss-of-function variants in HPS5 are known to be pathogenic (PMID: 12548288, 15296495, 21833017, 26785811). For these reasons, this variant has been classified as Pathogenic.

Literature cited by the submitters: PubMed 12548288; PubMed 15296495; PubMed 21833017; PubMed 26785811.

NM_181507.2(HPS5):c.2077_2078del (p.Arg693fs)

Gene: HPS5 (HPS5 biogenesis of lysosomal organelles complex 2 subunit 2; minus strand). Cytogenetic location: 11p15.1.
Variant type: Deletion.
Coding change: c.2077_2078del on transcript NM_181507.2 (MANE Select); coding-DNA positions 2077 to 2078, 2 bases deleted (AG; older notation c.2077_2078delAG).
Protein change: p.Arg693fs; shifts the reading frame from arginine 693.
Molecular consequence: frameshift variant.
Genome position (GRCh38, 1-based): chr11:18,291,804-18,291,805, CT deleted on the plus strand (AG on the coding strand, the reverse complement: HPS5 is on the minus strand). VCF-style (leftmost placement, unchanged base first): chr11-18291803-CCT-C. GRCh37 (hg19) VCF-style: chr11-18313350-CCT-C.
Other names: c.1735_1736del, p.Arg579fs (NM_007216.4); c.1735_1736delAG, p.Arg579Glyfs (NM_181508.2); short protein forms R579fs, R693fs.
Identifiers: ClinVar variation 2803268 (VCV002803268.3), dbSNP rs1299415607, ClinGen allele CA597491236.